The following is an entry in ClinVar:

NM_005263.5(GFI1):c.913G>T (p.Val305Leu)

Gene: GFI1 (growth factor independent 1 transcriptional repressor; minus strand). Cytogenetic location: 1p22.1.
Variant type: single nucleotide variant.
Coding change: c.913G>T on transcript NM_005263.5 (MANE Select); coding-DNA position 913, G replaced by T.
Protein change: p.Val305Leu; replaces valine 305 with leucine.
Molecular consequence: missense variant.
Genome position (GRCh38, 1-based): chr1:92,480,359, C>A on the plus strand (G>T on the coding strand, the complement: GFI1 is on the minus strand). VCF-style: chr1-92480359-C-A. GRCh37 (hg19) VCF-style: chr1-92945916-C-A.
Other names: c.913G>T, p.Val305Leu (NM_001127215.3, NM_001127216.3); short protein forms V305L.
Identifiers: ClinVar variation 4263214 (VCV004263214.1).

ClinVar aggregate classification (germline): Uncertain significance (1 of 4 stars; one submission).

gnomAD v4.1: 5 of 1,549,596 alleles (0.00032%); highest among the groups gnomAD compares: African/African-American, 0.0041%; no homozygotes.

Submission:

Ambry Genetics
Classification: Uncertain significance. Last evaluated: 2025-07-20. Review status: criteria provided, single submitter. Criteria: Ambry Variant Classification Scheme 2023. Collection method: clinical testing. Allele origin: germline.
Comment: The p.V305L variant (also known as c.913G>T), located in coding exon 4 of the GFI1 gene, results from a G to T substitution at nucleotide position 913. The valine at codon 305 is replaced by leucine, an amino acid with highly similar properties. This amino acid position is conserved. In addition, this alteration is predicted to be tolerated by in silico analysis. Based on the available evidence, the clinical significance of this variant remains unclear.